The following is an entry in ClinVar:

NM_006182.4(DDR2):c.2481G>T (p.Leu827=)

Gene: DDR2 (discoidin domain receptor tyrosine kinase 2; plus strand). Cytogenetic location: 1q23.3.
Variant type: single nucleotide variant.
Coding change: c.2481G>T on transcript NM_006182.4 (MANE Select); coding-DNA position 2481, G replaced by T.
Protein change: p.Leu827=; no amino-acid change (leucine 827 retained).
Molecular consequence: synonymous variant.
Genome position (GRCh38, 1-based): chr1:162,780,159, G>T. VCF-style: chr1-162780159-G-T. GRCh37 (hg19) VCF-style: chr1-162749949-G-T.
Other names: c.2481G>T, p.Leu827= (LRG_1390t1, NM_001014796.3, NM_001354982.2 and 1 more transcripts).
Identifiers: ClinVar variation 259933 (VCV000259933.17), dbSNP rs35077871, ClinGen allele CA1217807.

ClinVar aggregate classification (germline): Conflicting classifications of pathogenicity. Review status: criteria provided, conflicting classifications (1 of 4 stars). 5 submissions from 5 submitters: Uncertain significance (1); Benign (3); Likely benign (1). Last evaluated 2026-01-18.

Conditions:
Spondyloepimetaphyseal dysplasia-short limb-abnormal calcification syndrome (SMED-SL). Also called: Spondylometaepiphyseal dysplasia, short limb-hand type; SMED, TYPE II; SMED-SL/AC; SMED short limb-hand type; SMED type 2; Spondylometaepiphyseal dysplasia short limb-abnormal calcification type. Identifiers: Orphanet 93358, MedGen C1849011, MONDO:0010077, OMIM 271665.

Allele frequency attached by ClinVar (database versions not stated): gnomAD exomes 0.00163 and 0.00063; ESP Exome Variant Server 0.00846; TOPMed 0.00748; 1000 Genomes Project 0.00819; ExAC 0.00212; gnomAD 0.00661 and 0.00708; 1000 Genomes Project 30x 0.00828.
gnomAD v4.1: 1,955 of 1,613,902 alleles (0.12%); highest among the groups gnomAD compares: African/African-American, 2.3%; 27 homozygotes.

Submissions (5):

Labcorp Genetics (formerly Invitae), Labcorp
Classification: Benign. Last evaluated: 2026-01-18. Review status: criteria provided, single submitter. Criteria: Invitae Variant Classification Sherloc (09022015). Collection method: clinical testing. Allele origin: germline.

ARUP Laboratories, Molecular Genetics and Genomics, ARUP Laboratories
Classification: Benign. Last evaluated: 2024-10-23. Review status: criteria provided, single submitter. Criteria: ARUP Molecular Germline Variant Investigation Process 2024. Collection method: clinical testing. Allele origin: germline.

GeneDx
Classification: Likely benign. Last evaluated: 2019-08-06. Review status: criteria provided, single submitter. Criteria: GeneDx Variant Classification Process June 2021. Collection method: clinical testing. Allele origin: germline. Affected: yes.
Comment: See Variant Classification Assertion Criteria.

Illumina Laboratory Services, Illumina
Classification: Uncertain significance for Spondyloepimetaphyseal dysplasia-short limb-abnormal calcification syndrome. Last evaluated: 2018-01-13. Review status: criteria provided, single submitter. Criteria: ICSL Variant Classification Criteria 13 December 2019. Collection method: clinical testing. Allele origin: germline.

PreventionGenetics, part of Exact Sciences
Classification: Benign. Review status: criteria provided, single submitter. Criteria: ACMG Guidelines, 2015. Collection method: clinical testing. Allele origin: germline.